The following is an entry in ClinVar:

NM_006279.5(ST3GAL3):c.412G>A (p.Ala138Thr)

Gene: ST3GAL3 (ST3 beta-galactoside alpha-2,3-sialyltransferase 3; plus strand). Cytogenetic location: 1p34.1.
Variant type: single nucleotide variant.
Coding change: c.412G>A on transcript NM_006279.5 (MANE Select); coding-DNA position 412, G replaced by A.
Protein change: p.Ala138Thr; replaces alanine 138 with threonine.
Molecular consequence: missense variant. On other transcripts: non-coding transcript variant (7), intron variant (4).
Genome position (GRCh38, 1-based): chr1:43,898,249, G>A. VCF-style: chr1-43898249-G-A. GRCh37 (hg19) VCF-style: chr1-44363921-G-A.
Other names: c.412G>A, p.Ala138Thr (NM_001270459.2, NM_001350620.2, NM_174966.4); c.319G>A, p.Ala107Thr (NM_001270460.2); c.364G>A, p.Ala122Thr (NM_001270461.3, NM_001270464.3, NM_174969.4); c.271G>A, p.Ala91Thr (NM_001270462.3); c.409G>A, p.Ala137Thr (NM_001270463.3, NM_001270465.3); c.457G>A, p.Ala153Thr (NM_001350619.2, NM_174964.4); c.133G>A, p.Ala45Thr (NM_001350621.2); c.574G>A, p.Ala192Thr (NM_001363573.2, NM_174968.5); and 6 more; short protein forms A138T, A153T, A192T, A45T, A122T, A207T, A137T, A91T.
Identifiers: ClinVar variation 1385204 (VCV001385204.6), dbSNP rs372694400, ClinGen allele CA814691.

ClinVar aggregate classification (germline): Uncertain significance (1 of 4 stars; one submission).

Conditions:
Developmental and epileptic encephalopathy. Identifiers: MedGen C5779964, MONDO:0100620.

Allele frequency attached by ClinVar (database versions not stated): gnomAD exomes 0.00001; TOPMed 0.00001; ExAC 0.00002; gnomAD 0.00003; ESP Exome Variant Server 0.00008.
gnomAD v4.1: 14 of 1,613,764 alleles (0.00087%); highest among the groups gnomAD compares: African/African-American, 0.019%; 1 homozygote.

Submission:

Labcorp Genetics (formerly Invitae), Labcorp
Classification: Uncertain significance for Early-infantile DEE. Last evaluated: 2021-08-28. Review status: criteria provided, single submitter. Criteria: Invitae Variant Classification Sherloc (09022015). Collection method: clinical testing. Allele origin: germline.
Comment: This sequence change replaces alanine with threonine at codon 138 of the ST3GAL3 protein (p.Ala138Thr). The alanine residue is highly conserved and there is a small physicochemical difference between alanine and threonine. This variant is present in population databases (rs372694400, ExAC 0.03%). This variant has not been reported in the literature in individuals affected with ST3GAL3-related conditions. Algorithms developed to predict the effect of missense changes on protein structure and function are either unavailable or do not agree on the potential impact of this missense change (SIFT: "Tolerated"; PolyPhen-2: "Possibly Damaging"; Align-GVGD: "Class C0"). In summary, the available evidence is currently insufficient to determine the role of this variant in disease. Therefore, it has been classified as a Variant of Uncertain Significance.